The following is an entry in ClinVar:

ClinVar aggregate classification (germline): Likely pathogenic (1 of 4 stars; one submission).

Conditions:
Autosomal recessive nonsyndromic hearing loss 3. Also called: NEUROSENSORY NONSYNDROMIC RECESSIVE DEAFNESS 3. Identifiers: Orphanet 90636, MedGen C1838263, MONDO:0010860, OMIM 600316.

Submission:

Institute of Rare Diseases, West China Hospital, Sichuan University
Classification: Likely pathogenic for Autosomal recessive nonsyndromic hearing loss 3. Last evaluated: 2025-01-09. Review status: criteria provided, single submitter. Criteria: ClinGen HL ACMG Specifications v1. Collection method: research. Allele origin: germline. Affected: yes.
Comment: PVS1;PM2_Supporting

NM_016239.4(MYO15A):c.6509+1G>C

Gene: MYO15A (myosin XVA; plus strand). Cytogenetic location: 17p11.2.
Variant type: single nucleotide variant.
Coding change: c.6509+1G>C on transcript NM_016239.4 (MANE Select); the canonical splice donor site of the intron after coding-DNA position 6509, G replaced by C.
Molecular consequence: splice donor variant.
Genome position (GRCh38, 1-based): chr17:18,146,108, G>C. VCF-style: chr17-18146108-G-C. GRCh37 (hg19) VCF-style: chr17-18049422-G-C.
Identifiers: ClinVar variation 3601290 (VCV003601290.1).